The following is an entry in ClinVar:

ClinVar aggregate classification (germline): Uncertain significance (1 of 4 stars; one submission).

Submission:

GeneDx
Classification: Uncertain significance. Last evaluated: 2025-01-03. Review status: criteria provided, single submitter. Criteria: GeneDx Variant Classification Process June 2021. Collection method: clinical testing. Allele origin: germline. Affected: yes.
Comment: Not observed at significant frequency in large population cohorts (gnomAD); In silico analysis supports that this missense variant has a deleterious effect on protein structure/function; Has not been previously published as pathogenic or benign to our knowledge

NM_003587.5(DHX16):c.2724G>A (p.Met908Ile)

Gene: DHX16 (DEAH-box helicase 16; minus strand). Cytogenetic location: 6p21.33.
Variant type: single nucleotide variant.
Coding change: c.2724G>A on transcript NM_003587.5 (MANE Select); coding-DNA position 2724, G replaced by A.
Protein change: p.Met908Ile; replaces methionine 908 with isoleucine.
Molecular consequence: missense variant.
Genome position (GRCh38, 1-based): chr6:30,655,274, C>T on the plus strand (G>A on the coding strand, the complement: DHX16 is on the minus strand). VCF-style: chr6-30655274-C-T. GRCh37 (hg19) VCF-style: chr6-30623051-C-T.
Other names: c.2544G>A, p.Met848Ile (NM_001164239.2); c.1281G>A, p.Met427Ile (NM_001363515.2); short protein forms M848I, M427I, M908I.
Identifiers: ClinVar variation 4055915 (VCV004055915.1).
Genomic context (GRCh38, chr6:30,655,274, plus strand): 5'-ACCAACTTCCACACGTTCCAAGAGCCCTTCCAGCTGTTCCCGCACATCCCGGGCTCGGCG[C>T]ATCGATCTGAACTGTACAAAGTTCTCATAGCACCACTGGGAAGAGTAACCACTCTCAGCC-3'
Protein context (NP_003578.2, residues 898-918): CYENFVQFRS[Met908Ile]RRARDVREQL